The following is an entry in ClinVar:

NM_018847.4(KLHL9):c.1795G>T (p.Glu599Ter)

Gene: KLHL9 (kelch like family member 9; minus strand). Cytogenetic location: 9p21.3.
Variant type: single nucleotide variant.
Coding change: c.1795G>T on transcript NM_018847.4 (MANE Select); coding-DNA position 1795, G replaced by T.
Protein change: p.Glu599Ter; replaces glutamic acid 599 with a stop codon.
Molecular consequence: nonsense.
Genome position (GRCh38, 1-based): chr9:21,333,065, C>A on the plus strand (G>T on the coding strand, the complement: KLHL9 is on the minus strand). VCF-style: chr9-21333065-C-A. GRCh37 (hg19) VCF-style: chr9-21333064-C-A.
Other names: short protein forms E599*.
Identifiers: ClinVar variation 2009244 (VCV002009244.4), dbSNP rs2537379755, ClinGen allele CA373066332.
Genomic context (GRCh38, chr9:21,333,065, plus strand): 5'-CCTAAGAATGATCTGAAGGTGCTGAAAGAGGTGATTCTCTAGAAGGTGACCCAGGGTTTT[C>A]TTCAGGTGGAAAAACTGTGAGTGTACAGGCTCGAATGCCACCAAGTGACTCTGGAAGATC-3'

ClinVar aggregate classification (germline): Uncertain significance (1 of 4 stars; one submission).

Submission:

Labcorp Genetics (formerly Invitae), Labcorp
Classification: Uncertain significance. Last evaluated: 2022-06-22. Review status: criteria provided, single submitter. Criteria: Invitae Variant Classification Sherloc (09022015). Collection method: clinical testing. Allele origin: germline.
Comment: In summary, the available evidence is currently insufficient to determine the role of this variant in disease. Therefore, it has been classified as a Variant of Uncertain Significance. This variant has not been reported in the literature in individuals affected with KLHL9-related conditions. This variant is not present in population databases (gnomAD no frequency). This sequence change creates a premature translational stop signal (p.Glu599*) in the KLHL9 gene. While this is not anticipated to result in nonsense mediated decay, it is expected to disrupt the last 19 amino acid(s) of the KLHL9 protein.